The following is an entry in ClinVar:

ClinVar aggregate classification (germline): Benign/Likely benign. Review status: criteria provided, multiple submitters, no conflicts (2 of 4 stars). 12 submissions from 12 submitters: Benign (6); Likely benign (4). 2 of the submissions do not count toward it. Last evaluated 2026-06-01.

Conditions:
Hereditary cancer-predisposing syndrome. Also called: Tumor predisposition; Hereditary neoplastic syndrome; Neoplastic Syndromes, Hereditary; Hereditary Cancer Syndrome. Identifiers: Orphanet 140162, MedGen C0027672, MeSH D009386, MONDO:0015356.
Fanconi anemia (FA). Also called: Fanconi's anemia. Identifiers: Orphanet 84, MedGen C0015625, MeSH D005199, MONDO:0019391.
Fanconi anemia complementation group A (FANCA). Also called: Fanconi anemia, group A; FANCA-Related Fanconi Anemia. Identifiers: Orphanet 84, MedGen C3469521, MONDO:0009215, OMIM 227650.

Allele frequency attached by ClinVar (database versions not stated): gnomAD exomes 0.00046 and 0.00102; ExAC 0.00124; gnomAD 0.00316 and 0.00334; TOPMed 0.00364; ESP Exome Variant Server 0.00377; 1000 Genomes Project 0.00459; 1000 Genomes Project 30x 0.00484.
gnomAD v4.1: 1,188 of 1,614,184 alleles (0.074%); highest among the groups gnomAD compares: African/African-American, 1.2%; 10 homozygotes.

Submissions (12):

CeGaT Center for Human Genetics Tuebingen
Classification: Likely benign. Last evaluated: 2026-06-01. Review status: criteria provided, single submitter. Criteria: CeGaT Center For Human Genetics Tuebingen Variant Classification Criteria Version 2. Collection method: clinical testing. Allele origin: germline. Affected: yes. Observed: 6 variant alleles.
Comment: FANCA: BP4, BS1

Labcorp Genetics (formerly Invitae), Labcorp
Classification: Benign for Fanconi anemia. Last evaluated: 2026-02-02. Review status: criteria provided, single submitter. Criteria: Invitae Variant Classification Sherloc (09022015). Collection method: clinical testing. Allele origin: germline.

Quest Diagnostics Nichols Institute San Juan Capistrano
Classification: Benign. Last evaluated: 2025-10-17. Review status: criteria provided, single submitter. Criteria: Quest Diagnostics criteria. Collection method: clinical testing. Allele origin: unknown.

GeneKor MSA
Classification: Benign for Fanconi anemia complementation group A. Last evaluated: 2025-07-10. Review status: criteria provided, single submitter. Criteria: ACMG Guidelines, 2015. Collection method: clinical testing. Allele origin: germline.

Molecular Diagnostics Laboratory, Catalan Institute of Oncology
Classification: Benign for Hereditary cancer-predisposing syndrome. Last evaluated: 2025-03-25. Review status: criteria provided, single submitter. Criteria: ACMG Guidelines, 2015. Collection method: clinical testing. Allele origin: germline.
Comment: BS1, BS2_Supporting, BP4_Moderate c.932T>C located in exon 11 of the FANCA gene, is predicted to result in the substitution of isoleucine by threonine at codon 311, p.(Ile311Thr). The variant allele was found in 335/268328 alleles (4 homozygous), with a filter allele frequency of 0.98% at 99% confidence, within the African population in the gnomAD v2.1.1 database (non-cancer data set)(BS1, BS2_Supporting). The SpliceAI algorithm predicts no significant impact on splicing and the REVEL meta-predictor score for this variant (0.05) suggests that it does not affect the protein function according to Pejaver 2022 thresholds (PMID: 36413997)(BP4_Moderate). This variant has been identified in the ClinVar database (5x benign, 3x likely benign) but has not been identified in the LOVD database. Based on currently available information, the variant c.932T>C is classified as a benign variant according ACMG guidelines.

Fulgent Genetics
Classification: Likely benign for Fanconi anemia complementation group A. Last evaluated: 2022-01-25. Review status: criteria provided, single submitter. Criteria: ACMG Guidelines, 2015. Collection method: clinical testing. Allele origin: unknown.

Genetic Services Laboratory, University of Chicago
Classification: Benign. Last evaluated: 2021-02-15. Review status: criteria provided, single submitter. Criteria: ACMG Guidelines, 2015. Collection method: clinical testing. Allele origin: germline. Affected: no.

Illumina Laboratory Services, Illumina
Classification: Likely benign for Fanconi anemia complementation group A. Last evaluated: 2018-01-13. Review status: criteria provided, single submitter. Criteria: ICSL Variant Classification Criteria 13 December 2019. Collection method: clinical testing. Allele origin: germline.
Comment: This variant was observed in the ICSL laboratory as part of a predisposition screen in an ostensibly healthy population. It had not been previously curated by ICSL or reported in the Human Gene Mutation Database (HGMD: prior to June 1st, 2018), and was therefore a candidate for classification through an automated scoring system. Utilizing variant allele frequency, disease prevalence and penetrance estimates, and inheritance mode, an automated score was calculated to assess if this variant is too frequent to cause the disease. Based on the score and internal cut-off values, a variant classified as likely benign is not then subjected to further curation. The score for this variant resulted in a classification of likely benign for this disease.

Breakthrough Genomics
Classification: Likely benign. Review status: criteria provided, single submitter. Criteria: ACMG Guidelines, 2015. Collection method: not provided. Allele origin: germline. Inheritance: Autosomal recessive inheritance. Affected: yes.

PreventionGenetics, part of Exact Sciences
Classification: Benign. Review status: criteria provided, single submitter. Criteria: ACMG Guidelines, 2015. Collection method: clinical testing. Allele origin: germline.

Natera, Inc.
Classification: Benign for Fanconi anemia, group A. Last evaluated: 2020-09-16. Review status: no assertion criteria provided. Collection method: clinical testing. Allele origin: germline. Not counted in ClinVar's aggregate classification.

ITMI
No classification provided. Condition: AllHighlyPenetrant. Last evaluated: 2013-09-19. Review status: no classification provided. Collection method: reference population. Allele origin: germline. Not counted in ClinVar's aggregate classification.
Comment: Please see associated publication for description of ethnicities

Literature cited by the submitters: PubMed 24728327 (cited by Quest Diagnostics Nichols Institute San Juan Capistrano and ITMI); PubMed 28717660 (cited by Quest Diagnostics Nichols Institute San Juan Capistrano).

NM_000135.4(FANCA):c.932T>C (p.Ile311Thr)

Gene: FANCA (FA complementation group A; minus strand). Cytogenetic location: 16q24.3.
Variant type: single nucleotide variant.
Coding change: c.932T>C on transcript NM_000135.4 (MANE Select); coding-DNA position 932, T replaced by C.
Protein change: p.Ile311Thr; replaces isoleucine 311 with threonine.
Molecular consequence: missense variant.
Genome position (GRCh38, 1-based): chr16:89,795,980, A>G on the plus strand (T>C on the coding strand, the complement: FANCA is on the minus strand). VCF-style: chr16-89795980-A-G. GRCh37 (hg19) VCF-style: chr16-89862388-A-G.
Other names: c.932T>C (LRG_495t1, NM_000135.3); c.932T>C, p.Ile311Thr (NM_001286167.3); short protein forms I311T.
Identifiers: ClinVar variation 134240 (VCV000134240.49), dbSNP rs75501942, ClinGen allele CA159235.